The following is an entry in ClinVar:

NM_001005373.4(LRSAM1):c.1877T>G (p.Val626Gly)

Gene: LRSAM1 (leucine rich repeat and sterile alpha motif containing 1; plus strand). Cytogenetic location: 9q33.3.
Variant type: single nucleotide variant.
Coding change: c.1877T>G on transcript NM_001005373.4 (MANE Select); coding-DNA position 1877, T replaced by G.
Protein change: p.Val626Gly; replaces valine 626 with glycine.
Molecular consequence: missense variant. On other transcripts: non-coding transcript variant (2).
Genome position (GRCh38, 1-based): chr9:127,497,299, T>G. VCF-style: chr9-127497299-T-G. GRCh37 (hg19) VCF-style: chr9-130259578-T-G.
Other names: c.1877T>G (NM_138361.4); c.1877T>G, p.Val626Gly (NM_001005374.4, NM_001384142.1, NM_138361.5); c.1796T>G, p.Val599Gly (NM_001190723.3); c.1778T>G, p.Val593Gly (NM_001384143.1); c.1088T>G, p.Val363Gly (NM_001384144.1); short protein forms V626G, V599G, V363G, V593G.
Identifiers: ClinVar variation 234883 (VCV000234883.14), dbSNP rs574202204, ClinGen allele CA5247168.

ClinVar aggregate classification (germline): Uncertain significance. Review status: criteria provided, multiple submitters, no conflicts (2 of 4 stars). 3 submissions from 3 submitters: Uncertain significance (3). Last evaluated 2025-07-08.

Conditions:
Inborn genetic diseases. Identifiers: MedGen C0950123, MeSH D030342.
Charcot-Marie-Tooth disease axonal type 2P. Also called: Charcot-Marie-Tooth Neuropathy Type 2G; CHARCOT-MARIE-TOOTH NEUROPATHY, TYPE 2P; CHARCOT-MARIE-TOOTH DISEASE, AXONAL, TYPE 2G; CMT 2G. Identifiers: Orphanet 300319, Orphanet 99941, MedGen C3280797, MONDO:0013753, OMIM 614436.

Allele frequency attached by ClinVar (database versions not stated): gnomAD exomes 0.00002; TOPMed 0.00003; gnomAD 0.00004; 1000 Genomes Project 0.00020; ExAC 0.00002; 1000 Genomes Project 30x 0.00016.

Submissions (3):

Labcorp Genetics (formerly Invitae), Labcorp
Classification: Uncertain significance for Charcot-Marie-Tooth disease axonal type 2P. Last evaluated: 2025-07-08. Review status: criteria provided, single submitter. Criteria: Invitae Variant Classification Sherloc (09022015). Collection method: clinical testing. Allele origin: germline.
Comment: This sequence change replaces valine, which is neutral and non-polar, with glycine, which is neutral and non-polar, at codon 626 of the LRSAM1 protein (p.Val626Gly). This variant is present in population databases (rs574202204, gnomAD 0.004%). This missense change has been observed in individual(s) with clinical features of LRSAM1-related conditions (internal data). ClinVar contains an entry for this variant (Variation ID: 234883). Invitae Evidence Modeling of protein sequence and biophysical properties (such as structural, functional, and spatial information, amino acid conservation, physicochemical variation, residue mobility, and thermodynamic stability) indicates that this missense variant is not expected to disrupt LRSAM1 protein function with a negative predictive value of 80%. In summary, the available evidence is currently insufficient to determine the role of this variant in disease. Therefore, it has been classified as a Variant of Uncertain Significance.

Ambry Genetics
Classification: Uncertain significance for Inborn genetic diseases. Last evaluated: 2025-04-10. Review status: criteria provided, single submitter. Criteria: Ambry Variant Classification Scheme 2023. Collection method: clinical testing. Allele origin: germline.

GeneDx
Classification: Uncertain significance. Last evaluated: 2016-03-15. Review status: criteria provided, single submitter. Criteria: GeneDx Variant Classification (06012015). Collection method: clinical testing. Allele origin: germline. Affected: yes.
Comment: The V626G variant has not been published as a pathogenic variant, nor has it been reported as a benign variant to our knowledge. It was not observed in approximately 6,500 individuals of European and African American ancestry in the NHLBI Exome Sequencing Project and was not observed with any significant frequency in the 1000 Genomes Project. The V626G variant is a conservative amino acid substitution, which is not likely to impact secondary protein structure as these residues share similar properties. This substitution occurs at a position where amino acids with similar properties to Valine are tolerated across species. Additionally, missense variants in the LRSAM1 gene have not been reported in association with neuropathy (Stenson et al., 2014). In silico analysis is inconsistent in its predictions as to whether or not the variant is damaging to the protein structure/function. Based on the currently available information, it is unclear whether this variant is a pathogenic variant or a rare benign variant.